The following is an entry in ClinVar:

ClinVar aggregate classification (germline): Uncertain significance (1 of 4 stars; one submission).

Conditions:
Developmental and epileptic encephalopathy, 54. Also called: Epileptic encephalopathy, early infantile, 54; HNRNPU-Related Neurodevelopmental Disorder. Identifiers: MedGen C4479319, MONDO:0033363, OMIM 617391.

Submission:

Labcorp Genetics (formerly Invitae), Labcorp
Classification: Uncertain significance for Developmental and epileptic encephalopathy, 54. Last evaluated: 2023-02-24. Review status: criteria provided, single submitter. Criteria: Invitae Variant Classification Sherloc (09022015). Collection method: clinical testing. Allele origin: germline.
Comment: In summary, the available evidence is currently insufficient to determine the role of this variant in disease. Therefore, it has been classified as a Variant of Uncertain Significance. An algorithm developed to predict the effect of missense changes on protein structure and function (PolyPhen-2) suggests that this variant is likely to be tolerated. This variant has not been reported in the literature in individuals affected with HNRNPU-related conditions. This variant is not present in population databases (gnomAD no frequency). This sequence change replaces glutamine, which is neutral and polar, with leucine, which is neutral and non-polar, at codon 169 of the HNRNPU protein (p.Gln169Leu).

NM_031844.3(HNRNPU):c.506A>T (p.Gln169Leu)

Gene: HNRNPU (heterogeneous nuclear ribonucleoprotein U; minus strand). Cytogenetic location: 1q44.
Variant type: single nucleotide variant.
Coding change: c.506A>T on transcript NM_031844.3 (MANE Select); coding-DNA position 506, A replaced by T.
Protein change: p.Gln169Leu; replaces glutamine 169 with leucine.
Molecular consequence: missense variant.
Genome position (GRCh38, 1-based): chr1:244,863,802, T>A on the plus strand (A>T on the coding strand, the complement: HNRNPU is on the minus strand). VCF-style: chr1-244863802-T-A. GRCh37 (hg19) VCF-style: chr1-245027104-T-A.
Other names: c.506A>T, p.Gln169Leu (NM_004501.3); short protein forms Q169L.
Identifiers: ClinVar variation 2812619 (VCV002812619.3), dbSNP rs1680924291, ClinGen allele CA345496793.